The following is an entry in ClinVar:

NM_004415.4(DSP):c.3806G>A (p.Arg1269Gln)

Gene: DSP (desmoplakin; plus strand). Cytogenetic location: 6p24.3.
Variant type: single nucleotide variant.
Coding change: c.3806G>A on transcript NM_004415.4 (MANE Select); coding-DNA position 3806, G replaced by A.
Protein change: p.Arg1269Gln; replaces arginine 1269 with glutamine.
Molecular consequence: missense variant. On other transcripts: intron variant (1).
Genome position (GRCh38, 1-based): chr6:7,579,996, G>A. VCF-style: chr6-7579996-G-A. GRCh37 (hg19) VCF-style: chr6-7580229-G-A.
Other names: c.3806G>A, p.Arg1269Gln (NM_001319034.2); c.3582+224G>A (NM_001008844.3); short protein forms R1269Q.
Identifiers: ClinVar variation 228639 (VCV000228639.25), dbSNP rs876657795, ClinGen allele CA10576699.
Genomic context (GRCh38, chr6:7,579,996, plus strand): 5'-TGAAGGATGAAATTGTCAGGCTCAATGACAGCATCTTGCAGGCCACTGAGCAGCGAAGGC[G>A]AGCTGAAGAAAACGCCCTTCAGCAAAAGGCCTGTGGCTCTGAGATAATGCAGAAGAAGCA-3'
Protein context (NP_004406.2, residues 1259-1279): SILQATEQRR[Arg1269Gln]AEENALQQKA

ClinVar aggregate classification (germline): Conflicting classifications of pathogenicity. Review status: criteria provided, conflicting classifications (1 of 4 stars). 5 submissions from 5 submitters: Uncertain significance (4); Likely benign (1). Last evaluated 2023-12-04.

Conditions:
Cardiovascular phenotype. Identifiers: MedGen CN230736.
Arrhythmogenic cardiomyopathy with wooly hair and keratoderma. Also called: PALMOPLANTAR KERATODERMA WITH LEFT VENTRICULAR CARDIOMYOPATHY AND WOOLLY HAIR; Dilated cardiomyopathy with woolly hair and keratoderma; Carvajal syndrome; Arrhythmogenic cardiomyopathy with woolly hair and keratoderma. Identifiers: Orphanet 65282, MedGen C1854063, MONDO:0011581, OMIM 605676.
Woolly hair-skin fragility syndrome (WHSF). Identifiers: Orphanet 293165, MedGen C1843292, MONDO:0957307, OMIM 620415.
Cardiomyopathy, dilated, with wooly hair, keratoderma, and tooth agenesis. Also called: Erythrokeratodermia-cardiomyopathy syndrome; Cardiomyopathy, dilated, with woolly hair, keratoderma, and tooth agenesis. Identifiers: Orphanet 476096, Orphanet 65282, MedGen C4014393, MONDO:0014355, OMIM 615821.
Arrhythmogenic right ventricular dysplasia 8 (ARVD8). Also called: Arrhythmogenic Right Ventricular Dysplasia/Cardiomyopathy 8; ARRHYTHMOGENIC RIGHT VENTRICULAR DYSPLASIA, FAMILIAL, 8; ARRHYTHMOGENIC RIGHT VENTRICULAR CARDIOMYOPATHY 8. Identifiers: MedGen C1843896, MONDO:0011831, OMIM 607450.
Lethal acantholytic epidermolysis bullosa (EBLA). Identifiers: Orphanet 158687, MedGen C1864826, MONDO:0012323, OMIM 609638.
Keratosis palmoplantaris striata 2. Also called: KERATODERMA, PALMOPLANTAR, STRIATE FORM II; STRIATE PALMOPLANTAR KERATODERMA II; Keratosis palmoplantaris striata II. Identifiers: MedGen C1852127, MONDO:0013034, OMIM 612908.
Cardiomyopathy (CMYO). Also called: Cardiomyopathies. Identifiers: Orphanet 167848, MedGen C0878544, MONDO:0004994, HP:0001638. Inheritance: Various modes of inheritance.

gnomAD v4.1: 10 of 1,614,122 alleles (0.00062%); highest among the groups gnomAD compares: South Asian, 0.0011%; no homozygotes.

Submissions (5):

Color Diagnostics, LLC DBA Color Health
Classification: Uncertain significance for Cardiomyopathy. Last evaluated: 2023-12-04. Review status: criteria provided, single submitter. Criteria: ACMG Guidelines, 2015. Collection method: clinical testing. Allele origin: germline.
Comment: Variant of Uncertain Significance due to insufficient evidence: This missense variant is located in the central rod domain of the DSP protein that is thought to form a dimeric coiled coil. Computational prediction tools and conservation analyses are inconclusive regarding the impact of this variant on the protein function. Computational splicing tools suggest that this variant may not impact RNA splicing. To our knowledge, functional assays have not been performed for this variant nor has this variant been reported in individuals affected with cardiovascular disorders in the literature. This variant is rare in the general population and has been identified in 0/277264 chromosomes by the Genome Aggregation Database (gnomAD). Available evidence is insufficient to determine the pathogenicity of this variant conclusively.

Ambry Genetics
Classification: Uncertain significance for Cardiovascular phenotype. Last evaluated: 2023-03-24. Review status: criteria provided, single submitter. Criteria: Ambry Variant Classification Scheme 2023. Collection method: clinical testing. Allele origin: germline.
Comment: The p.R1269Q variant (also known as c.3806G>A), located in coding exon 23 of the DSP gene, results from a G to A substitution at nucleotide position 3806. The arginine at codon 1269 is replaced by glutamine, an amino acid with highly similar properties. This amino acid position is conserved. In addition, the in silico prediction for this alteration is inconclusive. Since supporting evidence is limited at this time, the clinical significance of this alteration remains unclear.

Labcorp Genetics (formerly Invitae), Labcorp
Classification: Likely benign for Arrhythmogenic cardiomyopathy with wooly hair and keratoderma; Arrhythmogenic right ventricular dysplasia 8. Last evaluated: 2023-03-09. Review status: criteria provided, single submitter. Criteria: Invitae Variant Classification Sherloc (09022015). Collection method: clinical testing. Allele origin: germline.

Fulgent Genetics
Classification: Uncertain significance for Arrhythmogenic cardiomyopathy with wooly hair and keratoderma; Arrhythmogenic right ventricular dysplasia 8; Lethal acantholytic epidermolysis bullosa; Keratosis palmoplantaris striata 2; Cardiomyopathy, dilated, with wooly hair, keratoderma, and tooth agenesis. Last evaluated: 2021-08-23. Review status: criteria provided, single submitter. Criteria: ACMG Guidelines, 2015. Collection method: clinical testing. Allele origin: unknown.

Laboratory for Molecular Medicine, Mass General Brigham Personalized Medicine
Classification: Uncertain significance. Last evaluated: 2015-05-27. Review status: criteria provided, single submitter. Criteria: LMM Criteria. Collection method: clinical testing. Allele origin: germline. Observed: 1 variant allele.
Comment: The p.Arg1269Gln variant in DSP has not been previously reported in individuals with cardiomyopathy or in large population studies. Computational prediction too ls and conservation analysis do not provide strong support for or against an imp act to the protein. In summary, the clinical significance of the p.Arg1269Gln va riant is uncertain.